The following is an entry in ClinVar:

NM_015046.7(SETX):c.5536C>T (p.Arg1846Cys)

Gene: SETX (senataxin; minus strand). Cytogenetic location: 9q34.13.
Variant type: single nucleotide variant.
Coding change: c.5536C>T on transcript NM_015046.7 (MANE Select); coding-DNA position 5536, C replaced by T.
Protein change: p.Arg1846Cys; replaces arginine 1846 with cysteine.
Molecular consequence: missense variant.
Genome position (GRCh38, 1-based): chr9:132,300,642, G>A on the plus strand (C>T on the coding strand, the complement: SETX is on the minus strand). VCF-style: chr9-132300642-G-A. GRCh37 (hg19) VCF-style: chr9-135176029-G-A.
Other names: p.Arg1846Cys; c.5536C>T, p.Arg1846Cys (NM_001351527.2, NM_001351528.2); short protein forms R1846C.
Identifiers: ClinVar variation 706256 (VCV000706256.18), dbSNP rs551406712, ClinGen allele CA5296963.
Genomic context (GRCh38, chr9:132,300,642, plus strand): 5'-ATGAGACTGTATCTGACATTTCCTGTCAATGCCTCATTATTTACTTACTGACTGACGTGC[G>A]GCGAAATTTATGAACATAACCAGAATGATATTCGTGGAGATCTTGTATGTCATTTCTCTC-3'
Protein context (NP_055861.3, residues 1836-1856): YHSGYVHKFR[Arg1846Cys]TSVMRNGKTE

ClinVar aggregate classification (germline): Conflicting classifications of pathogenicity. Review status: criteria provided, conflicting classifications (1 of 4 stars). 9 submissions from 8 submitters: Uncertain significance (1); Benign (1); Likely benign (6). 1 of the submissions does not count toward it. Last evaluated 2025-06-24.

Conditions:
Amyotrophic lateral sclerosis type 4 (ALS4). Also called: AMYOTROPHIC LATERAL SCLEROSIS 4, JUVENILE; NEURONOPATHY, DISTAL HEREDITARY MOTOR, WITH PYRAMIDAL FEATURES. Identifiers: Orphanet 357043, MedGen C1865409, MONDO:0011223, OMIM 602433.
Spinocerebellar ataxia, autosomal recessive, with axonal neuropathy 2 (SCAN2). Also called: Ataxia-ocular apraxia-2; ATAXIA-OCULOMOTOR APRAXIA 2; Ataxia with Oculomotor Apraxia; Ataxia with Oculomotor Apraxia Type 2. Identifiers: Orphanet 64753, MedGen C1853761, MONDO:0018996, OMIM 606002.
SETX-related disorder. Also called: SETX-related condition; SETX-related disorders. Identifiers: MedGen CN239403.
Inborn genetic diseases. Identifiers: MedGen C0950123, MeSH D030342.

Allele frequency attached by ClinVar (database versions not stated): gnomAD 0.00007 and 0.00010; TOPMed 0.00009; ExAC 0.00013; gnomAD exomes 0.00023; 1000 Genomes Project 30x 0.00094; 1000 Genomes Project 0.00100.
gnomAD v4.1: 96 of 1,613,452 alleles (0.0059%); highest among the groups gnomAD compares: East Asian, 0.18%; no homozygotes.

Submissions (9):

Labcorp Genetics (formerly Invitae), Labcorp
Classification: Likely benign for Amyotrophic lateral sclerosis type 4; Spinocerebellar ataxia, autosomal recessive, with axonal neuropathy 2. Last evaluated: 2025-06-24. Review status: criteria provided, single submitter. Criteria: Invitae Variant Classification Sherloc (09022015). Collection method: clinical testing. Allele origin: germline.

Mayo Clinic Laboratories, Mayo Clinic
Classification: Uncertain significance. Last evaluated: 2024-07-22. Review status: criteria provided, single submitter. Criteria: ACMG Guidelines, 2015. Collection method: clinical testing. Allele origin: germline. Observed: 1 variant allele.
Comment: BS1, PP3

Blueprint Genetics
Classification: Likely benign. Last evaluated: 2023-05-24. Review status: criteria provided, single submitter. Criteria: ACMG Guidelines, 2015. Collection method: clinical testing. Allele origin: germline.

Genome-Nilou Lab
Classification: Likely benign for Spinocerebellar ataxia, autosomal recessive, with axonal neuropathy 2. Last evaluated: 2023-02-08. Review status: criteria provided, single submitter. Criteria: ACMG Guidelines, 2015. Collection method: clinical testing. Allele origin: germline.

Genome-Nilou Lab
Classification: Likely benign for Amyotrophic lateral sclerosis type 4. Last evaluated: 2023-02-08. Review status: criteria provided, single submitter. Criteria: ACMG Guidelines, 2015. Collection method: clinical testing. Allele origin: germline.

Fulgent Genetics
Classification: Likely benign for Amyotrophic lateral sclerosis type 4; Spinocerebellar ataxia, autosomal recessive, with axonal neuropathy 2. Last evaluated: 2021-09-14. Review status: criteria provided, single submitter. Criteria: ACMG Guidelines, 2015. Collection method: clinical testing. Allele origin: unknown.

Ambry Genetics
Classification: Likely benign for Inborn genetic diseases. Last evaluated: 2021-06-14. Review status: criteria provided, single submitter. Criteria: Ambry Variant Classification Scheme 2023. Collection method: clinical testing. Allele origin: germline.

Athena Diagnostics
Classification: Benign. Last evaluated: 2020-05-01. Review status: criteria provided, single submitter. Criteria: Athena Diagnostics Criteria. Collection method: clinical testing. Allele origin: unknown.

PreventionGenetics, part of Exact Sciences
Classification: Likely benign for SETX-related condition. Last evaluated: 2022-07-08. Review status: no assertion criteria provided. Collection method: clinical testing. Allele origin: germline. Not counted in ClinVar's aggregate classification.
Comment: This variant is classified as likely benign based on ACMG/AMP sequence variant interpretation guidelines (Richards et al. 2015 PMID: 25741868, with internal and published modifications).

Literature cited by the submitters: PubMed 33448235 (cited by Mayo Clinic Laboratories, Mayo Clinic).